The following is an entry in ClinVar:

ClinVar aggregate classification (germline): Conflicting classifications of pathogenicity. Review status: criteria provided, conflicting classifications (1 of 4 stars). 2 submissions from 2 submitters: Uncertain significance (1); Likely benign (1). Last evaluated 2026-04-29.

Conditions:
Hereditary cancer-predisposing syndrome. Also called: Hereditary Cancer Syndrome; Neoplastic Syndromes, Hereditary; Hereditary neoplastic syndrome; Tumor predisposition. Identifiers: Orphanet 140162, MedGen C0027672, MeSH D009386, MONDO:0015356.

Allele frequency attached by ClinVar (database versions not stated): gnomAD exomes below 0.00001.
gnomAD v4.1: 1 of 1,613,752 alleles (0.000062%); highest among the groups gnomAD compares: East Asian, 0.0022%; no homozygotes.

Submissions (2):

Ambry Genetics
Classification: Uncertain significance for Hereditary cancer-predisposing syndrome. Last evaluated: 2026-04-29. Review status: criteria provided, single submitter. Criteria: Ambry Variant Classification Scheme 2023. Collection method: clinical testing. Allele origin: germline.
Comment: The c.905-5T>C intronic variant results from a T to C substitution 5 nucleotides upstream from coding exon 7 in the FH gene. This nucleotide position is not well conserved in available vertebrate species. In silico splice site analysis predicts that this alteration will not have any significant effect on splicing. Based on the available evidence, the clinical significance of this variant remains unclear.

Labcorp Genetics (formerly Invitae), Labcorp
Classification: Likely benign. Last evaluated: 2025-09-27. Review status: criteria provided, single submitter. Criteria: Invitae Variant Classification Sherloc (09022015). Collection method: clinical testing. Allele origin: germline.

NM_000143.4(FH):c.905-5T>C

Gene: FH (fumarate hydratase; minus strand). Cytogenetic location: 1q43.
Variant type: single nucleotide variant.
Coding change: c.905-5T>C on transcript NM_000143.4 (MANE Select); 5 bases into the intron before coding-DNA position 905, T replaced by C.
Molecular consequence: intron variant.
Genome position (GRCh38, 1-based): chr1:241,504,250, A>G on the plus strand (T>C on the coding strand, the complement: FH is on the minus strand). VCF-style: chr1-241504250-A-G. GRCh37 (hg19) VCF-style: chr1-241667550-A-G.
Other names: c.905-5T>C (NM_000143.3).
Identifiers: ClinVar variation 1664648 (VCV001664648.9), dbSNP rs886046318, ClinGen allele CA530378994.